The following is an entry in ClinVar:

ClinVar aggregate classification (germline): Likely benign. Review status: criteria provided, multiple submitters, no conflicts (2 of 4 stars). 3 submissions from 3 submitters: Likely benign (2). 1 of the submissions does not count toward it. Last evaluated 2026-01-17.

Conditions:
Tumor predisposition syndrome 3 (TPDS3). Also called: Melanoma, cutaneous malignant, susceptibility to, 10; Glioma susceptibility 9; LONG TELOMERE SYNDROME, POT1-RELATED; POT1 Tumor Predisposition. Identifiers: Orphanet 618, MedGen C4014476, MONDO:0014368, OMIM 615848.
POT1-related disorder. Also called: POT1-related condition.
Hereditary cancer-predisposing syndrome. Also called: Tumor predisposition; Hereditary Cancer Syndrome; Hereditary neoplastic syndrome; Neoplastic Syndromes, Hereditary. Identifiers: Orphanet 140162, MedGen C0027672, MeSH D009386, MONDO:0015356.

Submissions (3):

Labcorp Genetics (formerly Invitae), Labcorp
Classification: Likely benign for Tumor predisposition syndrome 3. Last evaluated: 2026-01-17. Review status: criteria provided, single submitter. Criteria: Invitae Variant Classification Sherloc (09022015). Collection method: clinical testing. Allele origin: germline.

Ambry Genetics
Classification: Likely benign for Hereditary cancer-predisposing syndrome. Last evaluated: 2023-02-08. Review status: criteria provided, single submitter. Criteria: Ambry Variant Classification Scheme 2023. Collection method: clinical testing. Allele origin: germline.

PreventionGenetics, part of Exact Sciences
Classification: Likely benign for POT1-related condition. Last evaluated: 2022-09-07. Review status: no assertion criteria provided. Collection method: clinical testing. Allele origin: germline. Not counted in ClinVar's aggregate classification.
Comment: This variant is classified as likely benign based on ACMG/AMP sequence variant interpretation guidelines (Richards et al. 2015 PMID: 25741868, with internal and published modifications).

NM_015450.3(POT1):c.1793-20TTTTGT[4]

Gene: POT1 (protection of telomeres 1; minus strand). Cytogenetic location: 7q31.33.
Variant type: Microsatellite.
Coding change: c.1793-20TTTTGT[4] on transcript NM_015450.3 (MANE Select); four copies in a row of the 6-base unit TTTTGT starting at c.1793-20; the reference has three copies in a row; one copy, 6 bases duplicated.
Molecular consequence: intron variant.
Genome position (GRCh38, 1-based): chr7:124,824,077-124,824,082, ACAAAA duplicated on the plus strand (TTTTGT on the coding strand, the reverse complement: POT1 is on the minus strand); duplicating any 6 consecutive bases within chr7:124,824,077-124,824,095 gives the same sequence; the position shown is the placement nearest the transcript's 3' end. VCF-style (leftmost placement, unchanged base first): chr7-124824076-T-TACAAAA. GRCh37 (hg19) VCF-style: chr7-124464130-T-TACAAAA.
Other names: c.1793-8_1793-3dupTTTTGT (NM_015450.2); c.1400-20TTTTGT[4] (NM_001042594.2); c.1793-8_1793-3dup6 (NM_015450.2).
Identifiers: ClinVar variation 1605600 (VCV001605600.12), dbSNP rs746035349, ClinGen allele CA4464967.